The following is an entry in ClinVar:

ClinVar aggregate classification (germline): Uncertain significance (1 of 4 stars; one submission).

Conditions:
Hereditary cancer-predisposing syndrome. Also called: Neoplastic Syndromes, Hereditary; Hereditary Cancer Syndrome; Tumor predisposition; Hereditary neoplastic syndrome. Identifiers: Orphanet 140162, MedGen C0027672, MeSH D009386, MONDO:0015356.

Submission:

Ambry Genetics
Classification: Uncertain significance for Hereditary cancer-predisposing syndrome. Last evaluated: 2025-02-03. Review status: criteria provided, single submitter. Criteria: Ambry Variant Classification Scheme 2023. Collection method: clinical testing. Allele origin: germline.
Comment: The p.K421N variant (also known as c.1263A>T), located in coding exon 9 of the RAD50 gene, results from an A to T substitution at nucleotide position 1263. The lysine at codon 421 is replaced by asparagine, an amino acid with similar properties. This amino acid position is conserved. In addition, this alteration is predicted to be tolerated by in silico analysis. Based on the available evidence, the clinical significance of this variant remains unclear.

NM_005732.4(RAD50):c.1263A>T (p.Lys421Asn)

Gene: RAD50 (RAD50 double strand break repair protein; plus strand). Cytogenetic location: 5q31.1.
Variant type: single nucleotide variant.
Coding change: c.1263A>T on transcript NM_005732.4 (MANE Select); coding-DNA position 1263, A replaced by T.
Protein change: p.Lys421Asn; replaces lysine 421 with asparagine.
Molecular consequence: missense variant.
Genome position (GRCh38, 1-based): chr5:132,589,648, A>T. VCF-style: chr5-132589648-A-T. GRCh37 (hg19) VCF-style: chr5-131925340-A-T.
Other names: short protein forms K421N.
Identifiers: ClinVar variation 3786308 (VCV003786308.1).